The following is an entry in ClinVar:

NM_001164508.2(NEB):c.10986C>T (p.Tyr3662=)

Gene: NEB (nebulin; minus strand). Cytogenetic location: 2q23.3.
Variant type: single nucleotide variant.
Coding change: c.10986C>T on transcript NM_001164508.2 (MANE Select); coding-DNA position 10986, C replaced by T.
Protein change: p.Tyr3662=; no amino-acid change (tyrosine 3662 retained).
Molecular consequence: synonymous variant.
Genome position (GRCh38, 1-based): chr2:151,618,365, G>A on the plus strand (C>T on the coding strand, the complement: NEB is on the minus strand). VCF-style: chr2-151618365-G-A. GRCh37 (hg19) VCF-style: chr2-152474879-G-A.
Other names: c.10986C>T, p.Tyr3662= (NM_001164507.2, NM_001271208.2); c.10257C>T, p.Tyr3419= (NM_004543.5).
Identifiers: ClinVar variation 702711 (VCV000702711.15), dbSNP rs373365702, ClinGen allele CA1908908.

ClinVar aggregate classification (germline): Likely benign. Review status: criteria provided, multiple submitters, no conflicts (2 of 4 stars). 3 submissions from 3 submitters: Likely benign (2). 1 of the submissions does not count toward it. Last evaluated 2026-09-01.

Conditions:
Nemaline myopathy 2 (NEM2). Also called: Nemaline myopathy 2, autosomal recessive. Identifiers: MedGen C1850569, MONDO:0009725, OMIM 256030.

Allele frequency attached by ClinVar (database versions not stated): gnomAD 0.00004; TOPMed 0.00004; gnomAD exomes 0.00008 and 0.00010; ESP Exome Variant Server 0.00016; ExAC 0.00017.
gnomAD v4.1: 120 of 1,613,846 alleles (0.0074%); highest among the groups gnomAD compares: Admixed American, 0.017%; no homozygotes.

Submissions (3):

CeGaT Center for Human Genetics Tuebingen
Classification: Likely benign. Last evaluated: 2026-09-01. Review status: criteria provided, single submitter. Criteria: CeGaT Center For Human Genetics Tuebingen Variant Classification Criteria Version 2. Collection method: clinical testing. Allele origin: germline. Affected: yes. Observed: 1 variant allele.
Comment: NEB: BP4, BP7

Labcorp Genetics (formerly Invitae), Labcorp
Classification: Likely benign for Nemaline myopathy 2. Last evaluated: 2026-01-26. Review status: criteria provided, single submitter. Criteria: Invitae Variant Classification Sherloc (09022015). Collection method: clinical testing. Allele origin: germline.

Natera, Inc.
Classification: Likely benign for Nemaline myopathy type 2. Last evaluated: 2020-11-06. Review status: no assertion criteria provided. Collection method: clinical testing. Allele origin: germline. Not counted in ClinVar's aggregate classification.